The following is an entry in ClinVar:

ClinVar aggregate classification (germline): Likely benign. Review status: criteria provided, multiple submitters, no conflicts (2 of 4 stars). 3 submissions from 3 submitters: Likely benign (3). Last evaluated 2025-04-01.

Conditions:
Bailey-Bloch congenital myopathy (CMYO13). Also called: Native American myopathy; STAC3 disorder; Congenital myopathy 13. Identifiers: Orphanet 168572, MedGen C1850625, MONDO:0009722, OMIM 255995.

Allele frequency attached by ClinVar (database versions not stated): gnomAD 0.00001 and 0.00003; TOPMed 0.00002; ESP Exome Variant Server 0.00008; ExAC 0.00011; gnomAD exomes 0.00012; 1000 Genomes Project 30x 0.00016; 1000 Genomes Project 0.00020.
gnomAD v4.1: 106 of 1,614,066 alleles (0.0066%); highest among the groups gnomAD compares: South Asian, 0.056%; 6 homozygotes.

Submissions (3):

CeGaT Center for Human Genetics Tuebingen
Classification: Likely benign. Last evaluated: 2025-04-01. Review status: criteria provided, single submitter. Criteria: CeGaT Center For Human Genetics Tuebingen Variant Classification Criteria Version 2. Collection method: clinical testing. Allele origin: germline. Affected: yes. Observed: 1 variant allele.
Comment: STAC3: BP4, BP7

Labcorp Genetics (formerly Invitae), Labcorp
Classification: Likely benign for Bailey-Bloch congenital myopathy. Last evaluated: 2024-10-18. Review status: criteria provided, single submitter. Criteria: Invitae Variant Classification Sherloc (09022015). Collection method: clinical testing. Allele origin: germline.

Blueprint Genetics
Classification: Likely benign. Last evaluated: 2024-09-12. Review status: criteria provided, single submitter. Criteria: ACMG Guidelines, 2015. Collection method: clinical testing. Allele origin: germline.

NM_145064.3(STAC3):c.663C>T (p.Pro221=)

Gene: STAC3 (SH3 and cysteine rich domain 3; minus strand). Cytogenetic location: 12q13.3.
Variant type: single nucleotide variant.
Coding change: c.663C>T on transcript NM_145064.3 (MANE Select); coding-DNA position 663, C replaced by T.
Protein change: p.Pro221=; no amino-acid change (proline 221 retained).
Molecular consequence: synonymous variant.
Genome position (GRCh38, 1-based): chr12:57,245,152, G>A on the plus strand (C>T on the coding strand, the complement: STAC3 is on the minus strand). VCF-style: chr12-57245152-G-A. GRCh37 (hg19) VCF-style: chr12-57638935-G-A.
Other names: c.546C>T, p.Pro182= (NM_001286256.2); c.105C>T, p.Pro35= (NM_001286257.2).
Identifiers: ClinVar variation 757463 (VCV000757463.22), dbSNP rs368118525, ClinGen allele CA6647060.